The following is an entry in ClinVar:

ClinVar aggregate classification (germline): Uncertain significance. Review status: criteria provided, multiple submitters, no conflicts (2 of 4 stars). 2 submissions from 2 submitters: Uncertain significance (2). Last evaluated 2025-12-11.

Allele frequency attached by ClinVar (database versions not stated): gnomAD 0.00001 and 0.00005; TOPMed 0.00003; ExAC 0.00005; gnomAD exomes 0.00005 and 0.00010; 1000 Genomes Project 30x 0.00031; 1000 Genomes Project 0.00040.

Submissions (2):

Labcorp Genetics (formerly Invitae), Labcorp
Classification: Uncertain significance. Last evaluated: 2025-12-11. Review status: criteria provided, single submitter. Criteria: Invitae Variant Classification Sherloc (09022015). Collection method: clinical testing. Allele origin: germline.
Comment: This sequence change replaces valine, which is neutral and non-polar, with methionine, which is neutral and non-polar, at codon 256 of the CASQ1 protein (p.Val256Met). This variant is present in population databases (rs527716104, gnomAD 0.06%), and has an allele count higher than expected for a pathogenic variant. This missense change has been observed in individual(s) with clinical features of CASQ1-related conditions (PMID: 36514469). ClinVar contains an entry for this variant (Variation ID: 1400649). Invitae Evidence Modeling of protein sequence and biophysical properties (such as structural, functional, and spatial information, amino acid conservation, physicochemical variation, residue mobility, and thermodynamic stability) indicates that this missense variant is not expected to disrupt CASQ1 protein function with a negative predictive value of 80%. In summary, the available evidence is currently insufficient to determine the role of this variant in disease. Therefore, it has been classified as a Variant of Uncertain Significance.

CeGaT Center for Human Genetics Tuebingen
Classification: Uncertain significance. Last evaluated: 2025-05-01. Review status: criteria provided, single submitter. Criteria: CeGaT Center For Human Genetics Tuebingen Variant Classification Criteria Version 2. Collection method: clinical testing. Allele origin: germline. Affected: yes. Observed: 1 variant allele.

Literature cited by the submitters: PubMed 36514469 (cited by Labcorp Genetics (formerly Invitae), Labcorp).

NM_001231.5(CASQ1):c.766G>A (p.Val256Met)

Gene: CASQ1 (calsequestrin 1; plus strand). Cytogenetic location: 1q23.2.
Variant type: single nucleotide variant.
Coding change: c.766G>A on transcript NM_001231.5 (MANE Select); coding-DNA position 766, G replaced by A.
Protein change: p.Val256Met; replaces valine 256 with methionine.
Molecular consequence: missense variant.
Genome position (GRCh38, 1-based): chr1:160,196,011, G>A. VCF-style: chr1-160196011-G-A. GRCh37 (hg19) VCF-style: chr1-160165801-G-A.
Other names: short protein forms V256M.
Identifiers: ClinVar variation 1400649 (VCV001400649.17), dbSNP rs527716104, ClinGen allele CA1196318.